The following is an entry in ClinVar:

NM_138927.4(SON):c.5584C>T (p.Arg1862Cys)

Gene: SON (SON DNA and RNA binding protein; plus strand). Cytogenetic location: 21q22.11.
Variant type: single nucleotide variant.
Coding change: c.5584C>T on transcript NM_138927.4 (MANE Select); coding-DNA position 5584, C replaced by T.
Protein change: p.Arg1862Cys; replaces arginine 1862 with cysteine.
Molecular consequence: missense variant. On other transcripts: non-coding transcript variant (1), intron variant (1).
Genome position (GRCh38, 1-based): chr21:33,554,815, C>T. VCF-style: chr21-33554815-C-T. GRCh37 (hg19) VCF-style: chr21-34927121-C-T.
Other names: c.5584C>T, p.Arg1862Cys (NM_001291411.2, NM_001412133.1, NM_032195.3 and 2 more transcripts); c.245-2341C>T (NM_001291412.3); short protein forms R1862C.
Identifiers: ClinVar variation 1946879 (VCV001946879.5), dbSNP rs774121492, ClinGen allele CA10009764.

ClinVar aggregate classification (germline): Uncertain significance (1 of 4 stars; one submission).

Allele frequency attached by ClinVar (database versions not stated): ExAC 0.00001; TOPMed 0.00001; gnomAD exomes 0.00003.
gnomAD v4.1: 47 of 1,613,802 alleles (0.0029%); highest among the groups gnomAD compares: Non-Finnish European, 0.0038%; no homozygotes.

Submission:

Labcorp Genetics (formerly Invitae), Labcorp
Classification: Uncertain significance. Last evaluated: 2025-12-15. Review status: criteria provided, single submitter. Criteria: Invitae Variant Classification Sherloc (09022015). Collection method: clinical testing. Allele origin: germline.
Comment: This sequence change replaces arginine, which is basic and polar, with cysteine, which is neutral and slightly polar, at codon 1862 of the SON protein (p.Arg1862Cys). This variant is present in population databases (rs774121492, gnomAD 0.004%). This variant has not been reported in the literature in individuals affected with SON-related conditions. ClinVar contains an entry for this variant (Variation ID: 1946879). Experimental studies and prediction algorithms are not available or were not evaluated, and the functional significance of this variant is currently unknown. In summary, the available evidence is currently insufficient to determine the role of this variant in disease. Therefore, it has been classified as a Variant of Uncertain Significance.